The following is an entry in ClinVar:

NM_001349338.3(FOXP1):c.1506C>G (p.Phe502Leu)

Genes: FOXP1 (forkhead box P1; minus strand), LOC126806714 (BRD4-independent group 4 enhancer GRCh37_chr3:71025197-71026396; plus strand). Cytogenetic location: 3p13.
Variant type: single nucleotide variant.
Coding change: c.1506C>G on transcript NM_001349338.3 (MANE Select); coding-DNA position 1506, C replaced by G.
Protein change: p.Phe502Leu; replaces phenylalanine 502 with leucine.
Molecular consequence: missense variant. On other transcripts: non-coding transcript variant (2).
Genome position (GRCh38, 1-based): chr3:70,976,965, G>C on the plus strand (C>G on the coding strand, the complement: FOXP1 is on the minus strand). VCF-style: chr3-70976965-G-C. GRCh37 (hg19) VCF-style: chr3-71026116-G-C.
Other names: c.1503C>G, p.Phe501Leu (NM_001244808.3, NM_001349341.3); c.1506C>G, p.Phe502Leu (NM_001244810.2, NM_001244814.3, NM_001244816.2 and 2 more transcripts); c.1278C>G, p.Phe426Leu (NM_001244812.3); c.1206C>G, p.Phe402Leu (NM_001244813.3, NM_001244815.2, NM_001349342.3); c.1203C>G, p.Phe401Leu (NM_001349337.2, NM_001349343.3, NM_001349344.3 and 1 more transcripts); short protein forms F502L, F402L, F401L, F426L, F501L.
Identifiers: ClinVar variation 391588 (VCV000391588.10), dbSNP rs1057524152, ClinGen allele CA16604636.

ClinVar aggregate classification (germline): Pathogenic/Likely pathogenic. Review status: criteria provided, multiple submitters, no conflicts (2 of 4 stars). 4 submissions from 4 submitters: Pathogenic (2); Likely pathogenic (2). Last evaluated 2023-07-19.

Conditions:
Inborn genetic diseases. Identifiers: MedGen C0950123, MeSH D030342.
Intellectual disability-severe speech delay-mild dysmorphism syndrome (IDDLA). Also called: FOXP1 Syndrome; Mental retardation with language impairment and autistic features; Intellectual developmental disorder with language impairment AND with or without autistic features. Identifiers: Orphanet 391372, MedGen C4013764, MONDO:0013352, OMIM 613670.

Submissions (4):

Ambry Genetics
Classification: Pathogenic for Inborn genetic diseases. Last evaluated: 2023-07-19. Review status: criteria provided, single submitter. Criteria: Ambry Variant Classification Scheme 2023. Collection method: clinical testing. Allele origin: germline.
Comment: The c.1506C>G (p.F502L) alteration is located in exon 17 (coding exon 12) of the FOXP1 gene. This alteration results from a C to G substitution at nucleotide position 1506, causing the phenylalanine (F) at amino acid position 502 to be replaced by a leucine (L). This variant was not reported in population-based cohorts in the Genome Aggregation Database (gnomAD). This variant has been determined to be the result of a de novo mutation in multiple individuals with features consistent with FOXP1-related neurodevelopmental disorder (Siper, 2017; external communication). This amino acid position is highly conserved in available vertebrate species. This alteration is predicted to be deleterious by in silico analysis. Based on the available evidence, this alteration is classified as pathogenic.

Labcorp Genetics (formerly Invitae), Labcorp
Classification: Pathogenic. Last evaluated: 2023-01-07. Review status: criteria provided, single submitter. Criteria: Invitae Variant Classification Sherloc (09022015). Collection method: clinical testing. Allele origin: germline.
Comment: For these reasons, this variant has been classified as Pathogenic. Advanced modeling of protein sequence and biophysical properties (such as structural, functional, and spatial information, amino acid conservation, physicochemical variation, residue mobility, and thermodynamic stability) performed at Invitae indicates that this missense variant is expected to disrupt FOXP1 protein function. ClinVar contains an entry for this variant (Variation ID: 391588). This missense change has been observed in individual(s) with clinical features of intellectual disability with language impairment and with or without autistic features (PMID: 29090079). In at least one individual the variant was observed to be de novo. This variant is not present in population databases (gnomAD no frequency). This sequence change replaces phenylalanine, which is neutral and non-polar, with leucine, which is neutral and non-polar, at codon 502 of the FOXP1 protein (p.Phe502Leu).

GeneDx
Classification: Likely pathogenic. Last evaluated: 2022-12-08. Review status: criteria provided, single submitter. Criteria: GeneDx Variant Classification Process June 2021. Collection method: clinical testing. Allele origin: germline. Affected: yes.
Comment: Not observed at significant frequency in large population cohorts (gnomAD); In silico analysis supports that this missense variant has a deleterious effect on protein structure/function; This variant is associated with the following publications: (PMID: 29090079, 31199603)

MGZ Medical Genetics Center
Classification: Likely pathogenic for Intellectual disability-severe speech delay-mild dysmorphism syndrome. Last evaluated: 2021-08-31. Review status: criteria provided, single submitter. Criteria: ACMG Guidelines, 2015. Collection method: clinical testing. Allele origin: germline. Affected: yes. Observed: 1 variant allele.
Comment: ACMG criteria applied: PS2, PM2_SUP, PP3

Literature cited by the submitters: PubMed 29090079 (cited by Ambry Genetics and Labcorp Genetics (formerly Invitae), Labcorp).